The following is an entry in ClinVar:

NM_000092.5(COL4A4):c.1551G>T (p.Leu517Phe)

Gene: COL4A4 (collagen type IV alpha 4 chain; minus strand). Cytogenetic location: 2q36.3.
Variant type: single nucleotide variant.
Coding change: c.1551G>T on transcript NM_000092.5 (MANE Select); coding-DNA position 1551, G replaced by T.
Protein change: p.Leu517Phe; replaces leucine 517 with phenylalanine.
Molecular consequence: missense variant.
Genome position (GRCh38, 1-based): chr2:227,088,725, C>A on the plus strand (G>T on the coding strand, the complement: COL4A4 is on the minus strand). VCF-style: chr2-227088725-C-A. GRCh37 (hg19) VCF-style: chr2-227953441-C-A.
Other names: short protein forms L517F.
Identifiers: ClinVar variation 2571973 (VCV002571973.1), dbSNP rs867156735, ClinGen allele CA66550261.

ClinVar aggregate classification (germline): Uncertain significance (1 of 4 stars; one submission).

Allele frequency attached by ClinVar (database versions not stated): gnomAD exomes below 0.00001.
gnomAD v4.1: 8 of 1,614,142 alleles (0.0005%); highest among the groups gnomAD compares: Middle Eastern, 0.017%; no homozygotes.

Submission:

GeneDx
Classification: Uncertain significance. Last evaluated: 2023-01-10. Review status: criteria provided, single submitter. Criteria: GeneDx Variant Classification Process June 2021. Collection method: clinical testing. Allele origin: germline. Affected: yes.
Comment: Not observed at significant frequency in large population cohorts (gnomAD); In silico analysis supports that this missense variant does not alter protein structure/function; Occurs in the triple helical domain at the Y position in the canonical Gly-X-Y repeat; although this variant may have an effect on normal protein folding and function, missense substitution at the Y position is not a common mechanism of disease; Has not been previously published as pathogenic or benign to our knowledge